The following is an entry in ClinVar:

NM_002734.5(PRKAR1A):c.220C>G (p.Arg74Gly)

Gene: PRKAR1A (protein kinase cAMP-dependent type I regulatory subunit alpha; plus strand). Cytogenetic location: 17q24.2.
Variant type: single nucleotide variant.
Coding change: c.220C>G on transcript NM_002734.5 (MANE Select); coding-DNA position 220, C replaced by G.
Protein change: p.Arg74Gly; replaces arginine 74 with glycine.
Molecular consequence: missense variant.
Genome position (GRCh38, 1-based): chr17:68,522,798, C>G. VCF-style: chr17-68522798-C-G. GRCh37 (hg19) VCF-style: chr17-66518939-C-G.
Other names: c.220C>G, p.Arg74Gly (NM_001276289.2, NM_001276290.1, NM_001278433.2 and 4 more transcripts); short protein forms R74G.
Identifiers: ClinVar variation 2962789 (VCV002962789.3), dbSNP rs137853303, ClinGen allele CA400752248.

ClinVar aggregate classification (germline): Uncertain significance (1 of 4 stars; one submission).

Conditions:
Carney complex, type 1 (CNC1). Also called: CARNEY MYXOMA-ENDOCRINE COMPLEX; CARNEY COMPLEX, TYPE I. Identifiers: Orphanet 1359, MedGen C2607929, MONDO:0008057, OMIM 160980.

Submission:

Labcorp Genetics (formerly Invitae), Labcorp
Classification: Uncertain significance for Carney complex, type 1. Last evaluated: 2023-03-26. Review status: criteria provided, single submitter. Criteria: Invitae Variant Classification Sherloc (09022015). Collection method: clinical testing. Allele origin: germline.
Comment: In summary, the available evidence is currently insufficient to determine the role of this variant in disease. Therefore, it has been classified as a Variant of Uncertain Significance. An algorithm developed to predict the effect of missense changes on protein structure and function (PolyPhen-2) suggests that this variant is likely to be tolerated. This variant has not been reported in the literature in individuals affected with PRKAR1A-related conditions. This variant is not present in population databases (gnomAD no frequency). This sequence change replaces arginine, which is basic and polar, with glycine, which is neutral and non-polar, at codon 74 of the PRKAR1A protein (p.Arg74Gly).